The following is an entry in ClinVar:

NM_004104.5(FASN):c.4410-2dup

Gene: FASN (fatty acid synthase; minus strand). Cytogenetic location: 17q25.3.
Variant type: Duplication.
Coding change: c.4410-2dup on transcript NM_004104.5 (MANE Select); the canonical splice acceptor site of the intron before coding-DNA position 4410, one base duplicated (A; older notation c.4410-2dupA).
Molecular consequence: splice acceptor variant.
Genome position (GRCh38, 1-based): chr17:82,084,955, T duplicated on the plus strand (A on the coding strand, the reverse complement: FASN is on the minus strand). VCF-style (leftmost placement, unchanged base first): chr17-82084954-C-CT. GRCh37 (hg19) VCF-style: chr17-80042830-C-CT.
Identifiers: ClinVar variation 1498618 (VCV001498618.6), dbSNP rs2144788994, ClinGen allele CA2573155007.

ClinVar aggregate classification (germline): Uncertain significance (1 of 4 stars; one submission).

Conditions:
Epileptic encephalopathy. Identifiers: MedGen C0543888, HP:0200134.

Submission:

Labcorp Genetics (formerly Invitae), Labcorp
Classification: Uncertain significance for Epileptic encephalopathy. Last evaluated: 2022-08-17. Review status: criteria provided, single submitter. Criteria: Invitae Variant Classification Sherloc (09022015). Collection method: clinical testing. Allele origin: germline.
Comment: This sequence change falls in intron 25 of the FASN gene. It does not directly change the encoded amino acid sequence of the FASN protein. It affects a nucleotide within the consensus splice site. This variant is not present in population databases (gnomAD no frequency). This variant has not been reported in the literature in individuals affected with FASN-related conditions. ClinVar contains an entry for this variant (Variation ID: 1498618). Variants that disrupt the consensus splice site are a relatively common cause of aberrant splicing (PMID: 17576681, 9536098). Algorithms developed to predict the effect of sequence changes on RNA splicing suggest that this variant may create or strengthen a splice site. In summary, the available evidence is currently insufficient to determine the role of this variant in disease. Therefore, it has been classified as a Variant of Uncertain Significance.

Literature cited by the submitters: PubMed 17576681; PubMed 9536098.